The following is an entry in ClinVar:

NM_001845.6(COL4A1):c.3141A>G (p.Gly1047=)

Gene: COL4A1 (collagen type IV alpha 1 chain; minus strand). Cytogenetic location: 13q34.
Variant type: single nucleotide variant.
Coding change: c.3141A>G on transcript NM_001845.6 (MANE Select); coding-DNA position 3141, A replaced by G.
Protein change: p.Gly1047=; no amino-acid change (glycine 1047 retained).
Molecular consequence: synonymous variant.
Genome position (GRCh38, 1-based): chr13:110,175,275, T>C on the plus strand (A>G on the coding strand, the complement: COL4A1 is on the minus strand). VCF-style: chr13-110175275-T-C. GRCh37 (hg19) VCF-style: chr13-110827622-T-C.
Identifiers: ClinVar variation 3715879 (VCV003715879.2).

ClinVar aggregate classification (germline): Uncertain significance (1 of 4 stars; one submission).

gnomAD v4.1: 4 of 1,614,216 alleles (0.00025%); highest among the groups gnomAD compares: Admixed American, 0.0033%; no homozygotes.

Submission:

Labcorp Genetics (formerly Invitae), Labcorp
Classification: Uncertain significance. Last evaluated: 2024-06-09. Review status: criteria provided, single submitter. Criteria: Invitae Variant Classification Sherloc (09022015). Collection method: clinical testing. Allele origin: germline.
Comment: This sequence change affects codon 1047 of the COL4A1 mRNA. It is a 'silent' change, meaning that it does not change the encoded amino acid sequence of the COL4A1 protein. This variant is present in population databases (rs766611846, gnomAD 0.006%). This variant has not been reported in the literature in individuals affected with COL4A1-related conditions. Algorithms developed to predict the effect of sequence changes on RNA splicing suggest that this variant may disrupt the consensus splice site. In summary, the available evidence is currently insufficient to determine the role of this variant in disease. Therefore, it has been classified as a Variant of Uncertain Significance.